The following is an entry in ClinVar:

ClinVar aggregate classification (germline): Uncertain significance. Review status: criteria provided, multiple submitters, no conflicts (2 of 4 stars). 2 submissions from 2 submitters: Uncertain significance (2). Last evaluated 2025-07-02.

Conditions:
Hereditary cancer-predisposing syndrome. Also called: Hereditary Cancer Syndrome; Tumor predisposition; Hereditary neoplastic syndrome; Neoplastic Syndromes, Hereditary. Identifiers: Orphanet 140162, MedGen C0027672, MeSH D009386, MONDO:0015356.
Renal cell carcinoma. Identifiers: Orphanet 217071, MedGen C0007134, MeSH D002292, MONDO:0005086, HP:0005584.

Allele frequency attached by ClinVar (database versions not stated): gnomAD exomes below 0.00001.
gnomAD v4.1: 1 of 1,613,874 alleles (0.000062%); highest among the groups gnomAD compares: African/African-American, 0.0013%; no homozygotes.

Submissions (2):

Labcorp Genetics (formerly Invitae), Labcorp
Classification: Uncertain significance for Renal cell carcinoma. Last evaluated: 2025-07-02. Review status: criteria provided, single submitter. Criteria: Invitae Variant Classification Sherloc (09022015). Collection method: clinical testing. Allele origin: germline.
Comment: This sequence change replaces valine, which is neutral and non-polar, with isoleucine, which is neutral and non-polar, at codon 941 of the MET protein (p.Val941Ile). This variant is not present in population databases (gnomAD no frequency). This variant has not been reported in the literature in individuals affected with MET-related conditions. ClinVar contains an entry for this variant (Variation ID: 1407738). Invitae Evidence Modeling of protein sequence and biophysical properties (such as structural, functional, and spatial information, amino acid conservation, physicochemical variation, residue mobility, and thermodynamic stability) indicates that this missense variant is not expected to disrupt MET protein function with a negative predictive value of 80%. In summary, the available evidence is currently insufficient to determine the role of this variant in disease. Therefore, it has been classified as a Variant of Uncertain Significance.

Ambry Genetics
Classification: Uncertain significance for Hereditary cancer-predisposing syndrome. Last evaluated: 2025-01-10. Review status: criteria provided, single submitter. Criteria: Ambry Variant Classification Scheme 2023. Collection method: clinical testing. Allele origin: germline.
Comment: The p.V941I variant (also known as c.2821G>A), located in coding exon 12 of the MET gene, results from a G to A substitution at nucleotide position 2821. The valine at codon 941 is replaced by isoleucine, an amino acid with highly similar properties. This amino acid position is conserved. In addition, this alteration is predicted to be tolerated by in silico analysis. Since supporting evidence is limited at this time, the clinical significance of this alteration remains unclear.

NM_000245.4(MET):c.2767G>A (p.Val923Ile)

Gene: MET (MET proto-oncogene, receptor tyrosine kinase; plus strand). Cytogenetic location: 7q31.2.
Variant type: single nucleotide variant.
Coding change: c.2767G>A on transcript NM_000245.4 (MANE Select); coding-DNA position 2767, G replaced by A.
Protein change: p.Val923Ile; replaces valine 923 with isoleucine.
Molecular consequence: missense variant.
Genome position (GRCh38, 1-based): chr7:116,771,534, G>A. VCF-style: chr7-116771534-G-A. GRCh37 (hg19) VCF-style: chr7-116411588-G-A.
Other names: c.2821G>A, p.Val941Ile (NM_001127500.3); c.1477G>A, p.Val493Ile (NM_001324402.2); short protein forms V493I, V941I, V923I.
Identifiers: ClinVar variation 1407738 (VCV001407738.9), dbSNP rs1794832354, ClinGen allele CA368986290.
Genomic context (GRCh38, chr7:116,771,534, plus strand): 5'-CTTTTCTTTATTTGTCATTTTTAGTGGAAGCAAGCAATTTCTTCAACCGTCCTTGGAAAA[G>A]TAATAGTTCAACCAGATCAGAATTTCACAGGATTGATTGCTGGTGTTGTCTCAATATCAA-3'
Protein context (NP_000236.2, residues 913-933): QAISSTVLGK[Val923Ile]IVQPDQNFTG